The following is an entry in ClinVar:

NM_032638.5(GATA2):c.724A>G (p.Thr242Ala)

Gene: GATA2 (GATA binding protein 2; minus strand). Cytogenetic location: 3q21.3.
Variant type: single nucleotide variant.
Coding change: c.724A>G on transcript NM_032638.5 (MANE Select); coding-DNA position 724, A replaced by G.
Protein change: p.Thr242Ala; replaces threonine 242 with alanine.
Molecular consequence: missense variant.
Genome position (GRCh38, 1-based): chr3:128,485,874, T>C on the plus strand (A>G on the coding strand, the complement: GATA2 is on the minus strand). VCF-style: chr3-128485874-T-C. GRCh37 (hg19) VCF-style: chr3-128204717-T-C.
Other names: c.724A>G, p.Thr242Ala (NM_001145661.2, NM_001145662.1); short protein forms T242A.
Identifiers: ClinVar variation 343138 (VCV000343138.16), dbSNP rs886057931, ClinGen allele CA10614773.

ClinVar aggregate classification (germline): Uncertain significance. Review status: criteria provided, multiple submitters, no conflicts (2 of 4 stars). 3 submissions from 3 submitters: Uncertain significance (3). Last evaluated 2026-05-15.

Conditions:
Inborn genetic diseases. Identifiers: MedGen C0950123, MeSH D030342.
Deafness-lymphedema-leukemia syndrome. Also called: Lymphedema, primary, with myelodysplasia; Emberger syndrome. Identifiers: Orphanet 3226, MedGen C3279664, MONDO:0013540, OMIM 614038.
Monocytopenia with susceptibility to infections. Also called: MONOCYTOPENIA AND MYCOBACTERIAL INFECTION SYNDROME; MONOCYTOPENIA WITH SUSCEPTIBILITY TO MYCOBACTERIAL, FUNGAL, AND PAPILLOMAVIRUS INFECTIONS AND MYELODYSPLASIA; COMBINED IMMUNODEFICIENCY WITH SUSCEPTIBILITY TO MYCOBACTERIAL, VIRAL, AND FUNGAL INFECTIONS; Dendritic cell, monocyte, B lymphocyte, and natural killer lymphocyte deficiency; IMMUNODEFICIENCY 21; GATA2 DEFICIENCY. Identifiers: Orphanet 228423, MedGen C3280030, MONDO:0013607, OMIM 614172.

Allele frequency attached by ClinVar (database versions not stated): TOPMed 0.00001; gnomAD 0.00001; gnomAD exomes below 0.00001.
gnomAD v4.1: 3 of 1,613,902 alleles (0.00019%); highest among the groups gnomAD compares: Non-Finnish European, 0.00017%; no homozygotes.

Submissions (3):

Ambry Genetics
Classification: Uncertain significance for Inborn genetic diseases. Last evaluated: 2026-05-15. Review status: criteria provided, single submitter. Criteria: Ambry Variant Classification Scheme 2023. Collection method: clinical testing. Allele origin: germline.
Comment: The p.T242A variant (also known as c.724A>G), located in coding exon 2 of the GATA2 gene, results from an A to G substitution at nucleotide position 724. The threonine at codon 242 is replaced by alanine, an amino acid with similar properties. This amino acid position is well conserved in available vertebrate species. In addition, the in silico prediction for this alteration is inconclusive. Based on the available evidence, the clinical significance of this variant remains unclear.

Labcorp Genetics (formerly Invitae), Labcorp
Classification: Uncertain significance for Monocytopenia with susceptibility to infections; Deafness-lymphedema-leukemia syndrome. Last evaluated: 2025-10-08. Review status: criteria provided, single submitter. Criteria: Invitae Variant Classification Sherloc (09022015). Collection method: clinical testing. Allele origin: germline.
Comment: This sequence change replaces threonine, which is neutral and polar, with alanine, which is neutral and non-polar, at codon 242 of the GATA2 protein (p.Thr242Ala). This variant is not present in population databases (gnomAD no frequency). This variant has not been reported in the literature in individuals affected with GATA2-related conditions. ClinVar contains an entry for this variant (Variation ID: 343138). Invitae Evidence Modeling of protein sequence and biophysical properties (such as structural, functional, and spatial information, amino acid conservation, physicochemical variation, residue mobility, and thermodynamic stability) indicates that this missense variant is not expected to disrupt GATA2 protein function with a negative predictive value of 95%. In summary, the available evidence is currently insufficient to determine the role of this variant in disease. Therefore, it has been classified as a Variant of Uncertain Significance.

Illumina Laboratory Services, Illumina
Classification: Uncertain significance for Deafness-lymphedema-leukemia syndrome. Last evaluated: 2018-01-12. Review status: criteria provided, single submitter. Criteria: ICSL Variant Classification Criteria 13 December 2019. Collection method: clinical testing. Allele origin: germline.